The following is an entry in ClinVar:

ClinVar aggregate classification (germline): Uncertain significance (1 of 4 stars; one submission).

gnomAD v4.1: 7 of 1,613,860 alleles (0.00043%); highest among the groups gnomAD compares: Admixed American, 0.0083%; no homozygotes.

Submission:

GeneDx
Classification: Uncertain significance. Last evaluated: 2026-01-27. Review status: criteria provided, single submitter. Criteria: GeneDx Variant Classification Process June 2021. Collection method: clinical testing. Allele origin: germline.
Comment: In silico analysis supports that this missense variant has a deleterious effect on protein structure/function; Has not been previously published as pathogenic or benign to our knowledge

NM_005247.4(FGF3):c.305G>C (p.Arg102Thr)

Gene: FGF3 (fibroblast growth factor 3; minus strand). Cytogenetic location: 11q13.3.
Variant type: single nucleotide variant.
Coding change: c.305G>C on transcript NM_005247.4 (MANE Select); coding-DNA position 305, G replaced by C.
Protein change: p.Arg102Thr; replaces arginine 102 with threonine.
Molecular consequence: missense variant.
Genome position (GRCh38, 1-based): chr11:69,816,339, C>G on the plus strand (G>C on the coding strand, the complement: FGF3 is on the minus strand). VCF-style: chr11-69816339-C-G. GRCh37 (hg19) VCF-style: chr11-69631107-C-G.
Other names: short protein forms R102T.
Identifiers: ClinVar variation 4975356 (VCV004975356.1).
Genomic context (GRCh38, chr11:69,816,339, plus strand): 5'-CTACTCCGTCAGCGCCCACCCACGTGACAGCCTGGACTCACCGAAGCATAGAGTCGTCCC[C>G]TCTTGTTCATGGCCAGGTACCGCCCGGAGAAGAGACCCCTGATGGCCACAATGCCCACCT-3'
Protein context (NP_005238.1, residues 92-112): FSGRYLAMNK[Arg102Thr]GRLYASEHYS